The following is an entry in ClinVar:

ClinVar aggregate classification (germline): Uncertain significance (1 of 4 stars; one submission).

Conditions:
Congenital myasthenic syndrome 2A. Also called: Myasthenic syndrome, congenital, 2a, slow-channel. Identifiers: Orphanet 590, MedGen C4225374, MONDO:0014581, OMIM 616313.

Submission:

Labcorp Genetics (formerly Invitae), Labcorp
Classification: Uncertain significance for Congenital myasthenic syndrome 2A. Last evaluated: 2025-06-12. Review status: criteria provided, single submitter. Criteria: Invitae Variant Classification Sherloc (09022015). Collection method: clinical testing. Allele origin: germline.
Comment: This sequence change is expected to alter the c-terminus of the CHRNB1 protein (p.Pro501Leufs*16). While this is not anticipated to result in nonsense mediated decay, it is expected to disrupt the last 1 amino acid(s) of the CHRNB1 protein and extend the protein by 14 additional amino acid residues. This variant is present in population databases (rs749511394, gnomAD 0.0009%). This variant has not been reported in the literature in individuals affected with CHRNB1-related conditions. ClinVar contains an entry for this variant (Variation ID: 1467986). Experimental studies and prediction algorithms are not available or were not evaluated, and the functional significance of this variant is currently unknown. Algorithms developed to predict the effect of sequence changes on RNA splicing suggest that this variant may create or strengthen a splice site. In summary, the available evidence is currently insufficient to determine the role of this variant in disease. Therefore, it has been classified as a Variant of Uncertain Significance.

NM_000747.3(CHRNB1):c.1497del (p.Pro501fs)

Gene: CHRNB1 (cholinergic receptor nicotinic beta 1 subunit; plus strand). Cytogenetic location: 17p13.1.
Variant type: Deletion.
Coding change: c.1497del on transcript NM_000747.3 (MANE Select); coding-DNA position 1497, one base deleted (C; older notation c.1497delC).
Protein change: p.Pro501fs; shifts the reading frame from proline 501.
Molecular consequence: frameshift variant.
Genome position (GRCh38, 1-based): chr17:7,456,714, C deleted; the last of 4 consecutive C bases (chr17:7,456,711-7,456,714); deleting any one gives the same sequence. VCF-style (leftmost placement, unchanged base first): chr17-7456710-AC-A. GRCh37 (hg19) VCF-style: chr17-7360029-AC-A.
Other names: short protein forms P501fs.
Identifiers: ClinVar variation 1467986 (VCV001467986.6), dbSNP rs749511394, ClinGen allele CA8348082.